The following is an entry in ClinVar:

NM_005228.5(EGFR):c.1325G>A (p.Ser442Asn)

Gene: EGFR (epidermal growth factor receptor; plus strand). Cytogenetic location: 7p11.2.
Variant type: single nucleotide variant.
Coding change: c.1325G>A on transcript NM_005228.5 (MANE Select); coding-DNA position 1325, G replaced by A.
Protein change: p.Ser442Asn; replaces serine 442 with asparagine.
Molecular consequence: missense variant.
Genome position (GRCh38, 1-based): chr7:55,160,165, G>A. VCF-style: chr7-55160165-G-A. GRCh37 (hg19) VCF-style: chr7-55227858-G-A.
Other names: c.1325G>A (NM_005228.3); c.1190G>A, p.Ser397Asn (NM_001346897.2, NM_001346899.2); c.1325G>A, p.Ser442Asn (NM_001346898.2, NM_201282.2, NM_201284.2); c.1166G>A, p.Ser389Asn (NM_001346900.2); c.524G>A, p.Ser175Asn (NM_001346941.2); short protein forms S397N, S442N, S175N, S389N.
Identifiers: ClinVar variation 1044343 (VCV001044343.7), dbSNP rs765091640, ClinGen allele CA4265560.

ClinVar aggregate classification (germline): Conflicting classifications of pathogenicity. Review status: criteria provided, conflicting classifications (1 of 4 stars). 2 submissions from 2 submitters: Uncertain significance (1); Likely benign (1). Last evaluated 2025-07-09.

Conditions:
Hereditary cancer-predisposing syndrome. Also called: Hereditary Cancer Syndrome; Tumor predisposition; Hereditary neoplastic syndrome; Neoplastic Syndromes, Hereditary. Identifiers: Orphanet 140162, MedGen C0027672, MeSH D009386, MONDO:0015356.
EGFR-related lung cancer (EGFR). Identifiers: MedGen CN130014.

Allele frequency attached by ClinVar (database versions not stated): gnomAD exomes below 0.00001 and 0.00001; TOPMed below 0.00001; ExAC 0.00001.
gnomAD v4.1: 6 of 1,614,158 alleles (0.00037%); highest among the groups gnomAD compares: East Asian, 0.013%; no homozygotes.

Submissions (2):

Labcorp Genetics (formerly Invitae), Labcorp
Classification: Uncertain significance for EGFR-related lung cancer. Last evaluated: 2025-07-09. Review status: criteria provided, single submitter. Criteria: Invitae Variant Classification Sherloc (09022015). Collection method: clinical testing. Allele origin: germline.
Comment: This sequence change replaces serine, which is neutral and polar, with asparagine, which is neutral and polar, at codon 442 of the EGFR protein (p.Ser442Asn). This variant is present in population databases (rs765091640, gnomAD 0.02%). This variant has not been reported in the literature in individuals affected with EGFR-related conditions. ClinVar contains an entry for this variant (Variation ID: 1044343). An algorithm developed to predict the effect of missense changes on protein structure and function (PolyPhen-2) suggests that this variant is likely to be tolerated. In summary, the available evidence is currently insufficient to determine the role of this variant in disease. Therefore, it has been classified as a Variant of Uncertain Significance.

Ambry Genetics
Classification: Likely benign for Hereditary cancer-predisposing syndrome. Last evaluated: 2024-12-20. Review status: criteria provided, single submitter. Criteria: Ambry Variant Classification Scheme 2023. Collection method: clinical testing. Allele origin: germline.